The following is an entry in ClinVar:

NM_000489.6(ATRX):c.6392G>A (p.Arg2131Gln)

Gene: ATRX (ATRX chromatin remodeler; minus strand). Cytogenetic location: Xq21.1.
Variant type: single nucleotide variant.
Coding change: c.6392G>A on transcript NM_000489.6 (MANE Select); coding-DNA position 6392, G replaced by A.
Protein change: p.Arg2131Gln; replaces arginine 2131 with glutamine.
Molecular consequence: missense variant.
Genome position (GRCh38, 1-based): chrX:77,558,781, C>T on the plus strand (G>A on the coding strand, the complement: ATRX is on the minus strand). VCF-style: chrX-77558781-C-T. GRCh37 (hg19) VCF-style: chrX-76814252-C-T.
Other names: R1272Q; c.6392G>A (NM_000489.5, NM_000489.4); c.6278G>A, p.Arg2093Gln (NM_138270.5); short protein forms R2093Q, R2131Q.
Identifiers: ClinVar variation 11731 (VCV000011731.10), dbSNP rs122445101, ClinGen allele CA121644.

ClinVar aggregate classification (germline): Pathogenic/Likely pathogenic. Review status: criteria provided, multiple submitters, no conflicts (2 of 4 stars). 6 submissions from 6 submitters: Pathogenic (4); Likely pathogenic (1). 1 of the submissions does not count toward it. Last evaluated 2025-03-27.

Conditions:
ATRX-related disorder. Also called: ATRX-related condition.
Intellectual disability-hypotonic facies syndrome, X-linked, 1 (MRXHF1). Also called: X-linked intellectual disability-hypotonic face syndrome; Smith Fineman Myers syndrome 1; CHUDLEY-LOWRY SYNDROME; Chudley syndrome 1; Chudley-Lowry-Hoar syndrome; Carpenter-Waziri syndrome. Identifiers: Orphanet 73220, Orphanet 93970, Orphanet 93971, Orphanet 93972, Orphanet 93973, Orphanet 93974, Orphanet 93975, MedGen C4759781, MONDO:0010663, OMIM 309580.
Alpha thalassemia-X-linked intellectual disability syndrome (ATRX). Also called: ALPHA-THALASSEMIA/MENTAL RETARDATION SYNDROME, X-LINKED; X-linked alpha-thalassemia-mental retardation syndrome; ATR, NONDELETION TYPE; ALPHA-THALASSEMIA/IMPAIRED INTELLECTUAL DEVELOPMENT SYNDROME, X-LINKED; ATR-X syndrome; Alpha thalassemia mental retardation syndrome, nondeletion type, X-linked. Identifiers: Orphanet 847, MedGen C1845055, MONDO:0010519, OMIM 301040.
Intellectual disability-hypotonic facies syndrome, X-linked.

Submissions (6):

Natera, Inc.
Classification: Likely pathogenic for X-linked alpha-thalassemia-mental retardation syndrome. Last evaluated: 2025-03-27. Review status: criteria provided, single submitter. Criteria: Natera Variant Classification Schema (03/2026). Collection method: clinical testing. Allele origin: germline.
Comment: The c.6392G>A variant in ATRX is a missense variant predicted to cause substitution of arginine to glutamine at amino acid 2131. This variant is rare in the general population with a frequency below the threshold expected for the associated phenotype(s). This variant has been observed in affected individual(s) with monoallelic occurrence (heterozygous/hemizygous) (PMID: 8630485, 25326637, 36031702). Computational prediction algorithms indicate this variant is likely to affect gene or protein function. Given the available evidence, this variant is classified as Likely Pathogenic.

3billion
Classification: Pathogenic for Intellectual disability-hypotonic facies syndrome, X-linked, 1. Last evaluated: 2025-01-03. Review status: criteria provided, single submitter. Criteria: ACMG Guidelines, 2015. Collection method: clinical testing. Allele origin: germline. Affected: yes.
Comment: The variant is not observed in the gnomAD v4.1.0 dataset. Predicted Consequence/Location: Missense variant In silico tool predictions suggest damaging effect of the variant on gene or gene product [REVEL: 0.84 (>=0.6, sensitivity 0.68 and specificity 0.92); 3Cnet: 0.99 (>=0.6, sensitivity 0.72 and precision 0.9)]. The same nucleotide change resulting in the same amino acid change has been previously reported as pathogenic/likely pathogenic with strong evidence (ClinVar ID: VCV000011731 /PMID: 8630485). The variant has been reported to co-segregate with the disease in at least 7 similarly affected relatives/individuals in at least two unrelated families (PMID: 8630485). Therefore, this variant is classified as Pathogenic according to the recommendation of ACMG/AMP guideline.

PreventionGenetics, part of Exact Sciences
Classification: Pathogenic for ATRX-related condition. Last evaluated: 2023-05-15. Review status: criteria provided, single submitter. Criteria: ACMG Guidelines, 2015. Collection method: clinical testing. Allele origin: germline.
Comment: The ATRX c.6392G>A variant is predicted to result in the amino acid substitution p.Arg2131Gln. This variant, also described as p.Arg1272Gln, has been reported in 7 affected males from a large four generation family with ATRX- associated X-linked intellectual disability and segregated with disease in this family (Mattei JF et al 1983. PubMed ID: 6682021; Villard et al 1996. PubMed ID: 8630485; Friez MJ et al 2016. PubMed ID: 27130160). The mutant X-chromosome is found to be consistently inactivated in female carriers. This variant has not been reported in a large population database, indicating this variant is rare. This variant is interpreted as pathogenic.

GeneDx
Classification: Pathogenic. Last evaluated: 2022-07-27. Review status: criteria provided, single submitter. Criteria: GeneDx Variant Classification Process June 2021. Collection method: clinical testing. Allele origin: germline. Affected: yes.
Comment: Not observed in large population cohorts (gnomAD); In silico analysis supports that this missense variant has a deleterious effect on protein structure/function; This variant is associated with the following publications: (PMID: 11449489, 27130160, 6682021, 8630485)

UCLA Clinical Genomics Center, UCLA
Classification: Pathogenic for ATR-X syndrome; Mental retardation-hypotonic facies syndrome X-linked, 1. Last evaluated: 2014-07-29. Review status: criteria provided, single submitter. Criteria: Lee et al. (JAMA. 2014). Collection method: clinical testing. Allele origin: germline. Inheritance: X-linked inheritance. Affected: yes. Study: CES.

OMIM
Classification: Pathogenic for INTELLECTUAL DISABILITY-HYPOTONIC FACIES SYNDROME, X-LINKED. Last evaluated: 1996-04-01. Review status: no assertion criteria provided. Collection method: literature only. Allele origin: germline. Not counted in ClinVar's aggregate classification.

Literature cited by the submitters: PubMed 8630485 (cited by 3 submitters); PubMed 25326637 (cited by Natera, Inc.); PubMed 36031702 (cited by Natera, Inc.); PubMed 6682021 (cited by OMIM).